The following is an entry in ClinVar:

NM_014000.3(VCL):c.3186G>A (p.Gln1062=)

Gene: VCL (vinculin; plus strand). Cytogenetic location: 10q22.2.
Variant type: single nucleotide variant.
Coding change: c.3186G>A on transcript NM_014000.3 (MANE Select); coding-DNA position 3186, G replaced by A.
Protein change: p.Gln1062=; no amino-acid change (glutamine 1062 retained).
Molecular consequence: synonymous variant.
Genome position (GRCh38, 1-based): chr10:74,114,827, G>A. VCF-style: chr10-74114827-G-A. GRCh37 (hg19) VCF-style: chr10-75874585-G-A.
Other names: c.2982G>A, p.Gln994= (NM_003373.4).
Identifiers: ClinVar variation 300798 (VCV000300798.19), dbSNP rs761534024, ClinGen allele CA5563430.
Genomic context (GRCh38, chr10:74,114,827, plus strand): 5'-AACATACCAAATTAAACTTTCTCTTTAGGTATGTGAGCGAATCCCAACCATAAGCACCCA[G>A]CTCAAAATCCTGTCCACAGTGAAGGCCACCATGCTGGGCCGGACCAACATCAGTGATGAG-3'
Protein context (NP_054706.1, residues 1052-1072): VCERIPTIST[Gln1062=]LKILSTVKAT

ClinVar aggregate classification (germline): Conflicting classifications of pathogenicity. Review status: criteria provided, conflicting classifications (1 of 4 stars). 5 submissions from 5 submitters: Uncertain significance (1); Likely benign (4). Last evaluated 2026-07-24.

Conditions:
Dilated cardiomyopathy 1W (CMD1W). Identifiers: Orphanet 154, MedGen C1969639, MONDO:0012667, OMIM 611407.
VCL-related disorder. Also called: VCL-related condition.
Cardiovascular phenotype. Identifiers: MedGen CN230736.

Allele frequency attached by ClinVar (database versions not stated): ExAC 0.00001; gnomAD 0.00001; gnomAD exomes 0.00002; TOPMed 0.00002.

Submissions (5):

PreventionGenetics, part of Exact Sciences
Classification: Likely benign for VCL-related condition. Last evaluated: 2026-07-24. Review status: criteria provided, single submitter. Criteria: ACMG Guidelines, 2015. Collection method: clinical testing. Allele origin: germline.
Comment: This variant is classified as likely benign based on ACMG/AMP sequence variant interpretation guidelines (Richards et al. 2015 PMID: 25741868, with internal and published modifications).

Labcorp Genetics (formerly Invitae), Labcorp
Classification: Likely benign for Dilated cardiomyopathy 1W. Last evaluated: 2026-01-14. Review status: criteria provided, single submitter. Criteria: Invitae Variant Classification Sherloc (09022015). Collection method: clinical testing. Allele origin: germline.

Laboratory of Genetics, Children's Clinical University Hospital Latvia
Classification: Likely benign. Last evaluated: 2025-02-16. Review status: criteria provided, single submitter. Criteria: ACMG Guidelines, 2015. Collection method: clinical testing. Allele origin: germline. Affected: yes.

Ambry Genetics
Classification: Likely benign for Cardiovascular phenotype. Last evaluated: 2022-11-15. Review status: criteria provided, single submitter. Criteria: Ambry Variant Classification Scheme 2023. Collection method: clinical testing. Allele origin: germline.

Illumina Laboratory Services, Illumina
Classification: Uncertain significance for Dilated cardiomyopathy 1W. Last evaluated: 2018-01-12. Review status: criteria provided, single submitter. Criteria: ICSL Variant Classification Criteria 13 December 2019. Collection method: clinical testing. Allele origin: germline.